The following is an entry in ClinVar:

ClinVar aggregate classification (germline): Uncertain significance. Review status: criteria provided, multiple submitters, no conflicts (2 of 4 stars). 2 submissions from 2 submitters: Uncertain significance (2). Last evaluated 2024-08-12.

Allele frequency attached by ClinVar (database versions not stated): gnomAD 0.00001; ExAC 0.00002; TOPMed 0.00002; gnomAD exomes 0.00003.
gnomAD v4.1: 18 of 1,613,686 alleles (0.0011%); highest among the groups gnomAD compares: Admixed American, 0.028%; no homozygotes.

Submissions (2):

GeneDx
Classification: Uncertain significance. Last evaluated: 2024-08-12. Review status: criteria provided, single submitter. Criteria: GeneDx Variant Classification Process June 2021. Collection method: clinical testing. Allele origin: germline. Affected: yes.
Comment: In silico analysis supports that this missense variant has a deleterious effect on protein structure/function; Has not been previously published as pathogenic or benign to our knowledge

Blueprint Genetics
Classification: Uncertain significance. Last evaluated: 2022-06-09. Review status: criteria provided, single submitter. Criteria: ACMG Guidelines, 2015. Collection method: clinical testing. Allele origin: germline.

NM_016239.4(MYO15A):c.8194G>A (p.Asp2732Asn)

Gene: MYO15A (myosin XVA; plus strand). Cytogenetic location: 17p11.2.
Variant type: single nucleotide variant.
Coding change: c.8194G>A on transcript NM_016239.4 (MANE Select); coding-DNA position 8194, G replaced by A.
Protein change: p.Asp2732Asn; replaces aspartic acid 2732 with asparagine.
Molecular consequence: missense variant.
Genome position (GRCh38, 1-based): chr17:18,154,725, G>A. VCF-style: chr17-18154725-G-A. GRCh37 (hg19) VCF-style: chr17-18058039-G-A.
Other names: short protein forms D2732N.
Identifiers: ClinVar variation 2575745 (VCV002575745.5), dbSNP rs769504984, ClinGen allele CA8425078.